The following is an entry in ClinVar:

NM_025114.4(CEP290):c.5287A>C (p.Ile1763Leu)

Gene: CEP290 (centrosomal protein 290; minus strand). Cytogenetic location: 12q21.32.
Variant type: single nucleotide variant.
Coding change: c.5287A>C on transcript NM_025114.4 (MANE Select); coding-DNA position 5287, A replaced by C.
Protein change: p.Ile1763Leu; replaces isoleucine 1763 with leucine.
Molecular consequence: missense variant.
Genome position (GRCh38, 1-based): chr12:88,079,169, T>G on the plus strand (A>C on the coding strand, the complement: CEP290 is on the minus strand). VCF-style: chr12-88079169-T-G. GRCh37 (hg19) VCF-style: chr12-88472946-T-G.
Other names: short protein forms I1763L.
Identifiers: ClinVar variation 2088327 (VCV002088327.5), dbSNP rs1394670172, ClinGen allele CA385990517.
Genomic context (GRCh38, chr12:88,079,169, plus strand): 5'-GTCGATCAACGATTTGTTGAACATTGAGATGGGCCTCTTTTTGAGAAGTTGCAGAAATAA[T>G]ACGTTCTTCAGCAGCTGCTGTCATTTCTGCCCGGAGTTCTAAAAGTGCCCGACTAAGTGC-3'
Protein context (NP_079390.3, residues 1753-1773): AEMTAAAEER[Ile1763Leu]ISATSQKEAH

ClinVar aggregate classification (germline): Uncertain significance. Review status: criteria provided, multiple submitters, no conflicts (2 of 4 stars). 2 submissions from 2 submitters: Uncertain significance (2). Last evaluated 2022-09-06.

Conditions:
Joubert syndrome. Also called: Familial aplasia of the vermis; JOUBERT-BOLTSHAUSER SYNDROME. Identifiers: Orphanet 475, MedGen C5979921, MONDO:0018772.
Meckel-Gruber syndrome. Also called: DYSENCEPHALIA SPLANCHNOCYSTICA; GRUBER SYNDROME; Dysencephalia splachnocystica. Identifiers: Orphanet 564, MedGen C0265215, MONDO:0018921.
Nephronophthisis. Also called: Juvenile Nephronophthisis. Identifiers: Orphanet 655, MedGen C0687120, MONDO:0019005, HP:0000090.

Submissions (2):

Labcorp Genetics (formerly Invitae), Labcorp
Classification: Uncertain significance for Joubert syndrome; Meckel-Gruber syndrome; Nephronophthisis. Last evaluated: 2022-09-06. Review status: criteria provided, single submitter. Criteria: Invitae Variant Classification Sherloc (09022015). Collection method: clinical testing. Allele origin: germline.
Comment: In summary, the available evidence is currently insufficient to determine the role of this variant in disease. Therefore, it has been classified as a Variant of Uncertain Significance. Algorithms developed to predict the effect of missense changes on protein structure and function (SIFT, PolyPhen-2, Align-GVGD) all suggest that this variant is likely to be tolerated. This variant has not been reported in the literature in individuals affected with CEP290-related conditions. This variant is not present in population databases (gnomAD no frequency). This sequence change replaces isoleucine, which is neutral and non-polar, with leucine, which is neutral and non-polar, at codon 1763 of the CEP290 protein (p.Ile1763Leu).

Blueprint Genetics
Classification: Uncertain significance. Last evaluated: 2021-07-05. Review status: criteria provided, single submitter. Criteria: ACMG Guidelines, 2015. Collection method: clinical testing. Allele origin: germline.